The following is an entry in ClinVar:

NM_004655.4(AXIN2):c.7A>G (p.Ser3Gly)

Gene: AXIN2 (axin 2; minus strand). Cytogenetic location: 17q24.1.
Variant type: single nucleotide variant.
Coding change: c.7A>G on transcript NM_004655.4 (MANE Select); coding-DNA position 7, A replaced by G.
Protein change: p.Ser3Gly; replaces serine 3 with glycine.
Molecular consequence: missense variant.
Genome position (GRCh38, 1-based): chr17:65,558,614, T>C on the plus strand (A>G on the coding strand, the complement: AXIN2 is on the minus strand). VCF-style: chr17-65558614-T-C. GRCh37 (hg19) VCF-style: chr17-63554732-T-C.
Other names: c.7A>G (LRG_296t1); c.7A>G, p.Ser3Gly (NM_001363813.1); short protein forms S3G.
Identifiers: ClinVar variation 533188 (VCV000533188.13), dbSNP rs762626041, ClinGen allele CA8719117.
Genomic context (GRCh38, chr17:65,558,614, plus strand): 5'-GCGGGGCATCCTCACGGAAGCTGCTGCTGGGGTCCGGGAGGCAAGTCACCAACATAGCGC[T>C]ACTCATGGTGAGGGAGCTCTTCCCACTGAGTCTGGGAATTTTTCTTCTTCCAGTTCCTCT-3'
Protein context (NP_004646.3, residues 1-13): MS[Ser3Gly]AMLVTCLPDP

ClinVar aggregate classification (germline): Uncertain significance. Review status: criteria provided, multiple submitters, no conflicts (2 of 4 stars). 3 submissions from 3 submitters: Uncertain significance (3). Last evaluated 2025-06-05.

Conditions:
Oligodontia-cancer predisposition syndrome. Also called: TOOTH AGENESIS-COLORECTAL CANCER SYNDROME. Identifiers: Orphanet 300576, MedGen C1837750, MONDO:0012075, OMIM 608615. Disease mechanism: loss of function.
Colorectal cancer. Also called: Colorectal cancer, somatic; Malignant Colorectal Neoplasm. Identifiers: MedGen C0346629, MONDO:0005575, OMIM 114500.
Hereditary cancer-predisposing syndrome. Also called: Hereditary neoplastic syndrome; Neoplastic Syndromes, Hereditary; Tumor predisposition; Hereditary Cancer Syndrome. Identifiers: Orphanet 140162, MedGen C0027672, MeSH D009386, MONDO:0015356.

Allele frequency attached by ClinVar (database versions not stated): gnomAD exomes below 0.00001 and 0.00001; ExAC 0.00001; TOPMed 0.00002.

Submissions (3):

Labcorp Genetics (formerly Invitae), Labcorp
Classification: Uncertain significance for Oligodontia-cancer predisposition syndrome. Last evaluated: 2025-06-05. Review status: criteria provided, single submitter. Criteria: Invitae Variant Classification Sherloc (09022015). Collection method: clinical testing. Allele origin: germline.
Comment: This sequence change replaces serine, which is neutral and polar, with glycine, which is neutral and non-polar, at codon 3 of the AXIN2 protein (p.Ser3Gly). This variant is present in population databases (rs762626041, gnomAD 0.003%). This variant has not been reported in the literature in individuals affected with AXIN2-related conditions. ClinVar contains an entry for this variant (Variation ID: 533188). An algorithm developed to predict the effect of missense changes on protein structure and function outputs the following: PolyPhen-2: "Benign". The glycine amino acid residue is found in multiple mammalian species, which suggests that this missense change does not adversely affect protein function. In summary, the available evidence is currently insufficient to determine the role of this variant in disease. Therefore, it has been classified as a Variant of Uncertain Significance.

Baylor Genetics
Classification: Uncertain significance for Colorectal cancer. Last evaluated: 2024-03-14. Review status: criteria provided, single submitter. Criteria: ACMG Guidelines, 2015. Collection method: clinical testing. Allele origin: unknown.

Ambry Genetics
Classification: Uncertain significance for Hereditary cancer-predisposing syndrome. Last evaluated: 2023-12-08. Review status: criteria provided, single submitter. Criteria: Ambry Variant Classification Scheme 2023. Collection method: clinical testing. Allele origin: germline.
Comment: The p.S3G variant (also known as c.7A>G), located in coding exon 1 of the AXIN2 gene, results from an A to G substitution at nucleotide position 7. The serine at codon 3 is replaced by glycine, an amino acid with similar properties. This amino acid position is not well conserved in available vertebrate species. In addition, this alteration is predicted to be tolerated by in silico analysis. Since supporting evidence is limited at this time, the clinical significance of this alteration remains unclear.